The following is an entry in ClinVar:

NM_000465.4(BARD1):c.400A>C (p.Asn134His)

Gene: BARD1 (BRCA1 associated RING domain 1; minus strand). Cytogenetic location: 2q35.
Variant type: single nucleotide variant.
Coding change: c.400A>C on transcript NM_000465.4 (MANE Select); coding-DNA position 400, A replaced by C.
Protein change: p.Asn134His; replaces asparagine 134 with histidine.
Molecular consequence: missense variant. On other transcripts: non-coding transcript variant (2), intron variant (3).
Genome position (GRCh38, 1-based): chr2:214,781,474, T>G on the plus strand (A>C on the coding strand, the complement: BARD1 is on the minus strand). VCF-style: chr2-214781474-T-G. GRCh37 (hg19) VCF-style: chr2-215646198-T-G.
Other names: c.343A>C, p.Asn115His (NM_001282543.2); c.158+27938A>C (NM_001282548.2); c.215+15587A>C (NM_001282545.2); c.364+10823A>C (NM_001282549.2); short protein forms N134H, N115H.
Identifiers: ClinVar variation 530170 (VCV000530170.12), dbSNP rs876660852, ClinGen allele CA350458077.
Genomic context (GRCh38, chr2:214,781,474, plus strand): 5'-CTTTCTTACTTCGAGGGCTAAACCACATTTTAATTGAATTCTTCTTGTTTCCTGCATCAT[T>G]AAACAAACTTTTCCTAGGTTTATCTTCTTTCAAATCTGACAGAAAAAAAGAAAAAGAAAT-3'
Protein context (NP_000456.2, residues 124-144): KEDKPRKSLF[Asn134His]DAGNKKNSIK

ClinVar aggregate classification (germline): Conflicting classifications of pathogenicity. Review status: criteria provided, conflicting classifications (1 of 4 stars). 2 submissions from 2 submitters: Uncertain significance (1); Likely benign (1). Last evaluated 2025-11-24.

Conditions:
Hereditary cancer-predisposing syndrome. Also called: Hereditary neoplastic syndrome; Neoplastic Syndromes, Hereditary; Hereditary Cancer Syndrome; Tumor predisposition. Identifiers: Orphanet 140162, MedGen C0027672, MeSH D009386, MONDO:0015356.
Familial cancer of breast. Also called: BREAST CANCER, FAMILIAL; Hereditary breast cancer; hereditary breast carcinoma. Identifiers: Orphanet 227535, MedGen C0346153, MONDO:0016419, OMIM 114480. Disease mechanism: loss of function.

Allele frequency attached by ClinVar (database versions not stated): gnomAD exomes below 0.00001.
gnomAD v4.1: 1 of 1,612,136 alleles (0.000062%); no homozygotes.

Submissions (2):

Labcorp Genetics (formerly Invitae), Labcorp
Classification: Uncertain significance for Familial cancer of breast. Last evaluated: 2025-11-24. Review status: criteria provided, single submitter. Criteria: Invitae Variant Classification Sherloc (09022015). Collection method: clinical testing. Allele origin: germline.
Comment: This sequence change replaces asparagine, which is neutral and polar, with histidine, which is basic and polar, at codon 134 of the BARD1 protein (p.Asn134His). This variant is present in population databases (no rsID available, gnomAD no frequency). This variant has not been reported in the literature in individuals affected with BARD1-related conditions. ClinVar contains an entry for this variant (Variation ID: 530170). An algorithm developed to predict the effect of missense changes on protein structure and function (PolyPhen-2) suggests that this variant is likely to be tolerated. In summary, the available evidence is currently insufficient to determine the role of this variant in disease. Therefore, it has been classified as a Variant of Uncertain Significance.

Ambry Genetics
Classification: Likely benign for Hereditary cancer-predisposing syndrome. Last evaluated: 2024-02-26. Review status: criteria provided, single submitter. Criteria: Ambry Variant Classification Scheme 2023. Collection method: clinical testing. Allele origin: germline.